The following is an entry in ClinVar:

ClinVar aggregate classification (germline): Uncertain significance (1 of 4 stars; one submission).

Conditions:
ANKRD17-related disorder. Also called: ANKRD17-related condition.

Submission:

PreventionGenetics, part of Exact Sciences
Classification: Uncertain significance for ANKRD17-related condition. Last evaluated: 2026-09-11. Review status: criteria provided, single submitter. Criteria: ACMG Guidelines, 2015. Collection method: clinical testing. Allele origin: germline.
Comment: The ANKRD17 c.4045C>T variant is predicted to result in the amino acid substitution p.Arg1349Cys. To our knowledge, this variant has not been reported in the literature or in a large population database, indicating this variant is rare. At this time, the clinical significance of this variant is uncertain due to the absence of conclusive functional and genetic evidence.

NM_032217.5(ANKRD17):c.4045C>T (p.Arg1349Cys)

Gene: ANKRD17 (ankyrin repeat domain 17; minus strand). Cytogenetic location: 4q13.3.
Variant type: single nucleotide variant.
Coding change: c.4045C>T on transcript NM_032217.5 (MANE Select); coding-DNA position 4045, C replaced by T.
Protein change: p.Arg1349Cys; replaces arginine 1349 with cysteine.
Molecular consequence: missense variant.
Genome position (GRCh38, 1-based): chr4:73,118,831, G>A on the plus strand (C>T on the coding strand, the complement: ANKRD17 is on the minus strand). VCF-style: chr4-73118831-G-A. GRCh37 (hg19) VCF-style: chr4-73984548-G-A.
Other names: c.3706C>T, p.Arg1236Cys (NM_001286771.3); c.4042C>T, p.Arg1348Cys (NM_015574.2); c.3292C>T, p.Arg1098Cys (NM_198889.3); short protein forms R1098C, R1236C, R1348C, R1349C.
Identifiers: ClinVar variation 3355574 (VCV003355574.2).
Genomic context (GRCh38, chr4:73,118,831, plus strand): 5'-CCACATCGAGGTGTCCACCATTTGCTGCTAGCCACAATGGAGTGTTCCCCTTCTTGTTAC[G>A]TACATCAATATGAGCTCCCCTAAAAACCAATGACACAGATAGCATTGTCTTTTTTTTTTT-3'
Protein context (NP_115593.3, residues 1339-1359): LIGRGAHIDV[Arg1349Cys]NKKGNTPLWL